The following is an entry in ClinVar:

ClinVar aggregate classification (germline): Likely pathogenic (1 of 4 stars; one submission).

Conditions:
Hereditary cancer-predisposing syndrome. Also called: Tumor predisposition; Hereditary neoplastic syndrome; Neoplastic Syndromes, Hereditary; Hereditary Cancer Syndrome. Identifiers: Orphanet 140162, MedGen C0027672, MeSH D009386, MONDO:0015356.

Submission:

Ambry Genetics
Classification: Likely pathogenic for Hereditary cancer-predisposing syndrome. Last evaluated: 2025-05-27. Review status: criteria provided, single submitter. Criteria: Ambry Variant Classification Scheme 2023. Collection method: clinical testing. Allele origin: germline.
Comment: The c.684-8_684delCCCTCTAGT variant results from a deletion of 9 nucleotides between positions 684-8 and 684 and involves the canonical splice acceptor site before coding exon 5 of the CHEK2 gene. This variant is considered to be rare based on population cohorts in the Genome Aggregation Database (gnomAD). The canonical splice acceptor site is highly conserved in available vertebrate species. In silico splice site analysis predicts that this alteration will weaken the native splice acceptor site and may result in the creation or strengthening of a novel splice acceptor site; however, the exact impact of this deletion on CHEK2 splicing and function is currently unknown. Alterations that disrupt the canonical splice site are expected to cause aberrant splicing, resulting in an abnormal protein or a transcript that is subject to nonsense-mediated mRNA decay. As such, this alteration is classified as likely pathogenic.

NM_007194.4(CHEK2):c.684-8_684del

Gene: CHEK2 (checkpoint kinase 2; minus strand). Cytogenetic location: 22q12.1.
Variant type: Deletion.
Coding change: c.684-8_684del on transcript NM_007194.4 (MANE Select); 8 bases into the intron before coding-DNA position 684 through coding-DNA position 684, 9 bases deleted (CCCTCTAGT; older notation c.684-8_684delCCCTCTAGT).
Molecular consequence: splice acceptor variant.
Genome position (GRCh38, 1-based): chr22:28,712,017-28,712,025, ACTAGAGGG deleted on the plus strand (CCCTCTAGT on the coding strand, the reverse complement: CHEK2 is on the minus strand); deleting any 9 consecutive bases within chr22:28,712,017-28,712,026 gives the same sequence; the c. name uses the placement nearest the transcript's 3' end. VCF-style (leftmost placement, unchanged base first): chr22-28712016-CACTAGAGGG-C. GRCh37 (hg19) VCF-style: chr22-29108004-CACTAGAGGG-C.
Other names: c.21-8_21del (NM_001437942.1, NM_001257387.3); c.483-8_483del (NM_001349956.3); c.684-8_684del (NM_145862.3); c.777-8_777del (NM_001438295.1, NM_001438293.1); c.813-8_813del (NM_001438294.1, NM_001005735.3).
Identifiers: ClinVar variation 4002264 (VCV004002264.1).